The following is an entry in ClinVar:

ClinVar aggregate classification (germline): Uncertain significance (1 of 4 stars; one submission).

gnomAD v4.1: 1 of 1,613,640 alleles (0.000062%); highest among the groups gnomAD compares: African/African-American, 0.0013%; no homozygotes.

Submission:

Labcorp Genetics (formerly Invitae), Labcorp
Classification: Uncertain significance. Last evaluated: 2025-08-20. Review status: criteria provided, single submitter. Criteria: Invitae Variant Classification Sherloc (09022015). Collection method: clinical testing. Allele origin: germline.
Comment: This sequence change replaces leucine, which is neutral and non-polar, with valine, which is neutral and non-polar, at codon 113 of the DUOX2 protein (p.Leu113Val). This variant is not present in population databases (gnomAD no frequency). This variant has not been reported in the literature in individuals affected with DUOX2-related conditions. Invitae Evidence Modeling of protein sequence and biophysical properties (such as structural, functional, and spatial information, amino acid conservation, physicochemical variation, residue mobility, and thermodynamic stability) indicates that this missense variant is not expected to disrupt DUOX2 protein function with a negative predictive value of 80%. In summary, the available evidence is currently insufficient to determine the role of this variant in disease. Therefore, it has been classified as a Variant of Uncertain Significance.

NM_001363711.2(DUOX2):c.337C>G (p.Leu113Val)

Gene: DUOX2 (dual oxidase 2; minus strand). Cytogenetic location: 15q21.1.
Variant type: single nucleotide variant.
Coding change: c.337C>G on transcript NM_001363711.2 (MANE Select); coding-DNA position 337, C replaced by G.
Protein change: p.Leu113Val; replaces leucine 113 with valine.
Molecular consequence: missense variant.
Genome position (GRCh38, 1-based): chr15:45,111,944, G>C on the plus strand (C>G on the coding strand, the complement: DUOX2 is on the minus strand). VCF-style: chr15-45111944-G-C. GRCh37 (hg19) VCF-style: chr15-45404142-G-C.
Other names: c.337C>G, p.Leu113Val (NM_014080.5); short protein forms L113V.
Identifiers: ClinVar variation 4697154 (VCV004697154.1).
Genomic context (GRCh38, chr15:45,111,944, plus strand): 5'-TGCGGATGTTGAGGAACTCGGCGGGGCAACCGGGCGTTTCCACGCTCACCACGTCGGAAA[G>C]AACATGGTAGCCTGCGGGCATGGGGCGCCAATACGTGACAAACCGTCCGTATTGCGCCCT-3'
Protein context (NP_001350640.1, residues 103-123): VLGVFFGYHV[Leu113Val]SDVVSVETPG